The following is an entry in ClinVar:

ClinVar aggregate classification (germline): Pathogenic (1 of 4 stars; one submission).

Conditions:
Inborn genetic diseases. Identifiers: MedGen C0950123, MeSH D030342.

Submission:

Ambry Genetics
Classification: Pathogenic for Inborn genetic diseases. Last evaluated: 2016-12-29. Review status: criteria provided, single submitter. Criteria: Ambry Variant Classification Scheme 2023. Collection method: clinical testing. Allele origin: germline.
Comment: The c.1360_1393del34 pathogenic mutation, located in coding exon 7 of the SERPING1 gene, results from a deletion of 34 nucleotides at nucleotide positions 1360 to 1393, causing a translational frameshift with a predicted alternate stop codon (p.V454Pfs*111). This frameshift, which occurs at the 3' terminus of SERPING1, impacts the last 47 amino acids of the protein in addition to elongating the protein by 63 amino acids. Structural analysis shows that this alteration perturbs a known functional domain and eliminates the cleavage site for protease, which is essential for the inhibitor to perform its function (Bock SC et al. Biochemistry, 1986 Jul;25:4292-301). In addition, this mutation was detected in an individual with hereditary angioedema type I (Bissler JJ et al. Hum. Genet., 1994 Mar;93:265-9). Based on the supporting evidence, this alteration is interpreted as a disease-causing mutation.

Literature cited by the submitters: PubMed 3756141; PubMed 8125476.

NM_000062.3(SERPING1):c.1360_1393del (p.Val454fs)

Gene: SERPING1 (serpin family G member 1; plus strand). Cytogenetic location: 11q12.1.
Variant type: Deletion.
Coding change: c.1360_1393del on transcript NM_000062.3 (MANE Select); coding-DNA positions 1360 to 1393, 34 bases deleted.
Protein change: p.Val454fs; shifts the reading frame from valine 454.
Molecular consequence: frameshift variant.
Genome position (GRCh38, 1-based): chr11:57,614,438-57,614,471, 34 bases deleted; deleting any 34 consecutive bases within chr11:57,614,436-57,614,471 gives the same sequence; the c. name uses the placement nearest the transcript's 3' end. GRCh37 (hg19): chr11:57,381,911-57,381,944.
Other names: c.1360_1393del, p.Val454fs (NM_001032295.2); short protein forms V454fs.
Identifiers: ClinVar variation 1770819 (VCV001770819.2), dbSNP rs2495458177, ClinGen allele CA2580084326.
Genomic context (GRCh38, chr11:57,614,435, plus strand): 5'-GACCCAGATCTTCAGGTTTCTGCGATGCAGCACCAGACAGTGCTGGAACTGACAGAGACT[GGGGTGGAGGCGGCTGCAGCCTCCGCCATCTCTGT>G]GGCCCGCACCCTGCTGGTCTTTGAAGTGCAGCAGCCCTTCCTCTTCGTGCTCTGGGACCA-3'